The following is an entry in ClinVar:

NM_001267550.2(TTN):c.49858G>T (p.Glu16620Ter)

Genes: TTN-AS1 (TTN antisense RNA 1; plus strand), TTN (titin; minus strand). Cytogenetic location: 2q31.2.
Variant type: single nucleotide variant.
Coding change: c.49858G>T on transcript NM_001267550.2 (MANE Select); coding-DNA position 49858, G replaced by T.
Protein change: p.Glu16620Ter; replaces glutamic acid 16620 with a stop codon.
Molecular consequence: nonsense.
Genome position (GRCh38, 1-based): chr2:178,612,863, C>A on the plus strand (G>T on the coding strand, the complement: TTN is on the minus strand). VCF-style: chr2-178612863-C-A. GRCh37 (hg19) VCF-style: chr2-179477590-C-A.
Other names: c.44935G>T, p.Glu14979Ter (NM_001256850.1); c.22663G>T, p.Glu7555Ter (NM_003319.4); c.42154G>T, p.Glu14052Ter (NM_133378.4); c.23038G>T, p.Glu7680Ter (NM_133432.3); c.23239G>T, p.Glu7747Ter (NM_133437.4); short protein forms E16620*, E7555*, E14052*, E14979*, E7680*, E7747*.
Identifiers: ClinVar variation 518925 (VCV000518925.11), dbSNP rs1553699454, ClinGen allele CA349600711.
Genomic context (GRCh38, chr2:178,612,863, plus strand): 5'-TGGGTTCACTGGGTTCACTTTCCCCAGCCTTATTCACAGCTCTAACTCGGAATGAGTATT[C>A]CTGTCCTTCCATGAGCCCTGGGAGCAAGTGCTGAGTGGTGGGAACCCCTTCCGCCACTCT-3'

ClinVar aggregate classification (germline): Likely pathogenic. Review status: criteria provided, multiple submitters, no conflicts (2 of 4 stars). 2 submissions from 2 submitters: Likely pathogenic (2). Last evaluated 2021-10-09.

Conditions:
Cardiovascular phenotype. Identifiers: MedGen CN230736.
Dilated cardiomyopathy 1G (CMD1G). Identifiers: Orphanet 154, MedGen C1858763, MONDO:0011400, OMIM 604145.
Autosomal recessive limb-girdle muscular dystrophy type 2J (LGMDR10). Also called: Limb-girdle muscular dystrophy, type 2J; MUSCULAR DYSTROPHY, LIMB-GIRDLE, AUTOSOMAL RECESSIVE 10. Identifiers: Orphanet 140922, MedGen C1837342, MONDO:0012127, OMIM 608807.

Submissions (2):

Labcorp Genetics (formerly Invitae), Labcorp
Classification: Likely pathogenic for Dilated cardiomyopathy 1G; Autosomal recessive limb-girdle muscular dystrophy type 2J. Last evaluated: 2021-10-09. Review status: criteria provided, single submitter. Criteria: Invitae Variant Classification Sherloc (09022015). Collection method: clinical testing. Allele origin: germline.
Comment: This variant is located in the A band of TTN (PMID: 25589632). Truncating variants in this region are significantly overrepresented in patients affected with dilated cardiomyopathy (PMID: 25589632). Truncating variants in this region have also been reported in individuals affected with autosomal recessive centronuclear myopathy (PMID: 23975875). This sequence change creates a premature translational stop signal (p.Glu16620*) in the TTN gene. While this is not anticipated to result in nonsense mediated decay, it is expected to create a truncated TTN protein. In summary, the currently available evidence indicates that the variant is pathogenic, but additional data are needed to prove that conclusively. Therefore, this variant has been classified as Likely Pathogenic. ClinVar contains an entry for this variant (Variation ID: 518925). This variant has not been reported in the literature in individuals affected with TTN-related conditions. This variant is not present in population databases (ExAC no frequency).

Ambry Genetics
Classification: Likely pathogenic for Cardiovascular phenotype. Last evaluated: 2016-12-23. Review status: criteria provided, single submitter. Criteria: Ambry Variant Classification Scheme 2023. Collection method: clinical testing. Allele origin: germline.
Comment: The p.E7555* variant (also known as c.22663G>T), located in coding exon 92 of the TTN gene, results from a G to T substitution at nucleotide position 22663. This changes the amino acid from a glutamic acid to a stop codon within coding exon 92, and is located in the A-band region of the N2-B isoform of the titin protein. Truncating alterations in TTN were observed at a significantly higher frequency among patients with dilated cardiomyopathy (DCM), or 54/203 (27%), compared to patients with hypertrophic cardiomyopathy (3 of 231, 1%, P=3x10-16) and healthy controls (7 of 249, 3%, P=9x10-14). Among families with multiple relatives with DCM, studies also provided strong data demonstrating segregation of TTN truncations with disease (Herman DS et al. N Engl J Med.2012;366(7):619-28; Pugh TJ et al. Genet Med. 2014;16(8):601-8). This alteration is expected to result in loss of function by premature protein truncation or nonsense-mediated mRNA decay. However, loss of function of TTN has not been clearly established as a mechanism of disease. As such, the p.E7555* variant is classified as likely pathogenic.

Literature cited by the submitters: PubMed 25589632 (cited by Labcorp Genetics (formerly Invitae), Labcorp); PubMed 23975875 (cited by Labcorp Genetics (formerly Invitae), Labcorp).